The following is an entry in ClinVar:

NM_001127511.3(APC):c.134G>C (p.Arg45Pro)

Gene: APC (APC regulator of Wnt signaling pathway; plus strand). Cytogenetic location: 5q22.2.
Variant type: single nucleotide variant.
Coding change: c.134G>C on transcript NM_001127511.3; coding-DNA position 134, G replaced by C.
Protein change: p.Arg45Pro; replaces arginine 45 with proline.
Molecular consequence: missense variant. On other transcripts: 5 prime UTR variant (8), non-coding transcript variant (1), intron variant (5).
Genome position (GRCh38, 1-based): chr5:112,707,851, G>C. VCF-style: chr5-112707851-G-C. GRCh37 (hg19) VCF-style: chr5-112043548-G-C.
Other names: c.-50G>C (NM_001354895.2, NM_001407447.1, NM_001407452.1 and 3 more transcripts); c.134G>C, p.Arg45Pro (NM_001354897.2, NM_001354902.2, NM_001407446.1); c.-1085G>C (NM_001407470.1, NM_001407472.1); c.-19+202G>C (NM_001407448.1, NM_001407450.1, NM_001407457.1 and 1 more transcripts); c.-43+202G>C (NM_001407453.1); short protein forms R45P.
Identifiers: ClinVar variation 537689 (VCV000537689.9), dbSNP rs1004213568, ClinGen allele CA124925217.

ClinVar aggregate classification (germline): Uncertain significance (1 of 4 stars; one submission).

Conditions:
Familial adenomatous polyposis 1 (FAP1). Also called: FAMILIAL ADENOMATOUS POLYPOSIS 1, ATTENUATED; POLYPOSIS, ADENOMATOUS INTESTINAL. Identifiers: MedGen C2713442, MONDO:0021056, OMIM 175100. Disease mechanism: loss of function.

Allele frequency attached by ClinVar (database versions not stated): gnomAD exomes 0.00003; gnomAD 0.00001; TOPMed 0.00001.
gnomAD v4.1: 38 of 1,370,096 alleles (0.0028%); highest among the groups gnomAD compares: Non-Finnish European, 0.0036%; no homozygotes.

Submission:

Labcorp Genetics (formerly Invitae), Labcorp
Classification: Uncertain significance for Familial adenomatous polyposis 1. Last evaluated: 2025-02-02. Review status: criteria provided, single submitter. Criteria: Invitae Variant Classification Sherloc (09022015). Collection method: clinical testing. Allele origin: germline.
Comment: This variant occurs in a non-coding region of the APC gene. It does not change the encoded amino acid sequence of the APC protein. This variant is present in population databases (no rsID available, gnomAD 0.008%). This variant has not been reported in the literature in individuals affected with APC-related conditions. ClinVar contains an entry for this variant (Variation ID: 537689). Experimental studies and prediction algorithms are not available or were not evaluated, and the functional significance of this variant is currently unknown. In summary, the available evidence is currently insufficient to determine the role of this variant in disease. Therefore, it has been classified as a Variant of Uncertain Significance.